The following is an entry in ClinVar:

ClinVar aggregate classification (germline): Benign. Review status: criteria provided, multiple submitters, no conflicts (2 of 4 stars). 2 submissions from 2 submitters: Benign (2). Last evaluated 2018-07-06.

Conditions:
Polydactyly of a triphalangeal thumb. Also called: POLYDACTYLY OF TRIPHALANGEAL THUMB; TRIPHALANGEAL THUMB-POLYDACTYLY SYNDROME; Polydactyly, preaxial type II. Identifiers: Orphanet 2439, Orphanet 2950, Orphanet 93336, MedGen C1868114, MONDO:0008270, OMIM 174500.

Allele frequency attached by ClinVar (database versions not stated): ESP Exome Variant Server 0.00346; gnomAD 0.00349 and 0.00609; gnomAD exomes 0.00938 and 0.01388; ExAC 0.01551; 1000 Genomes Project 30x 0.02405; 1000 Genomes Project 0.02536.
gnomAD v4.1: 13,780 of 1,518,562 alleles (0.91%); highest among the groups gnomAD compares: South Asian, 7.8%; 348 homozygotes.

Submissions (2):

GeneDx
Classification: Benign. Last evaluated: 2018-07-06. Review status: criteria provided, single submitter. Criteria: GeneDx Variant Classification Process June 2021. Collection method: clinical testing. Allele origin: germline. Affected: yes.

Illumina Laboratory Services, Illumina
Classification: Benign for Polydactyly of a triphalangeal thumb. Last evaluated: 2018-01-13. Review status: criteria provided, single submitter. Criteria: ICSL Variant Classification Criteria 13 December 2019. Collection method: clinical testing. Allele origin: germline.
Comment: This variant was observed in the ICSL laboratory as part of a predisposition screen in an ostensibly healthy population. It had not been previously curated by ICSL or reported in the Human Gene Mutation Database (HGMD: prior to June 1st, 2018), and was therefore a candidate for classification through an automated scoring system. Utilizing variant allele frequency, disease prevalence and penetrance estimates, and inheritance mode, an automated score was calculated to assess if this variant is too frequent to cause the disease. Based on the score and internal cut-off values, a variant classified as benign is not then subjected to further curation. The score for this variant resulted in a classification of benign for this disease.

NM_022458.4(LMBR1):c.*36C>T

Gene: LMBR1 (limb development membrane protein 1; minus strand). Cytogenetic location: 7q36.3.
Variant type: single nucleotide variant.
Coding change: c.*36C>T on transcript NM_022458.4 (MANE Select); 36 bases downstream of the stop codon, C replaced by T.
Molecular consequence: 3 prime UTR variant. On other transcripts: non-coding transcript variant (2).
Genome position (GRCh38, 1-based): chr7:156,684,042, G>A on the plus strand (C>T on the coding strand, the complement: LMBR1 is on the minus strand). VCF-style: chr7-156684042-G-A. GRCh37 (hg19) VCF-style: chr7-156476736-G-A.
Other names: c.*36C>T (NM_001350953.2, NM_001350954.2, NM_001350955.2 and 8 more transcripts).
Identifiers: ClinVar variation 359419 (VCV000359419.6), dbSNP rs79881605, ClinGen allele CA4587729.